The following is an entry in ClinVar:

NM_000334.4(SCN4A):c.2838G>C (p.Glu946Asp)

Genes: GH-LCR (growth hormone locus control region; plus strand), SCN4A (sodium voltage-gated channel alpha subunit 4; minus strand). Cytogenetic location: 17q23.3.
Variant type: single nucleotide variant.
Coding change: c.2838G>C on transcript NM_000334.4 (MANE Select); coding-DNA position 2838, G replaced by C.
Protein change: p.Glu946Asp; replaces glutamic acid 946 with aspartic acid.
Molecular consequence: missense variant.
Genome position (GRCh38, 1-based): chr17:63,951,439, C>G on the plus strand (G>C on the coding strand, the complement: SCN4A is on the minus strand). VCF-style: chr17-63951439-C-G. GRCh37 (hg19) VCF-style: chr17-62028799-C-G.
Other names: short protein forms E946D.
Identifiers: ClinVar variation 3253168 (VCV003253168.1), dbSNP rs1362478153.

ClinVar aggregate classification (germline): Uncertain significance (1 of 4 stars; one submission).

Submission:

GeneDx
Classification: Uncertain significance. Last evaluated: 2023-12-10. Review status: criteria provided, single submitter. Criteria: GeneDx Variant Classification Process June 2021. Collection method: clinical testing. Allele origin: germline. Affected: yes.
Comment: Not observed at significant frequency in large population cohorts (gnomAD); In silico analysis supports that this missense variant does not alter protein structure/function; Has not been previously published as pathogenic or benign to our knowledge